The following is an entry in ClinVar:

NM_001482.3(GATM):c.288+20_288+21del

Gene: GATM (glycine amidinotransferase; minus strand). Cytogenetic location: 15q21.1.
Variant type: Deletion.
Coding change: c.288+20_288+21del on transcript NM_001482.3 (MANE Select); bases 20 to 21 of the intron after coding-DNA position 288, 2 bases deleted (AT; older notation c.288+20_288+21delAT).
Molecular consequence: intron variant.
Genome position (GRCh38, 1-based): chr15:45,376,580-45,376,581, AT deleted on the plus strand (AT on the coding strand, the reverse complement: GATM is on the minus strand). VCF-style (leftmost placement, unchanged base first): chr15-45376579-CAT-C. GRCh37 (hg19) VCF-style: chr15-45668777-CAT-C.
Other names: c.-100+20_-100+21del (NM_001321015.2).
Identifiers: ClinVar variation 418223 (VCV000418223.8), dbSNP rs748043870, ClinGen allele CA7542967.

ClinVar aggregate classification (germline): Likely benign. Review status: criteria provided, multiple submitters, no conflicts (2 of 4 stars). 2 submissions from 2 submitters: Likely benign (2). Last evaluated 2026-01-11.

Conditions:
Arginine:glycine amidinotransferase deficiency (CCDS3). Also called: Creatine deficiency syndrome due to AGAT deficiency; GATM deficiency; Cerebral creatine deficiency syndrome 3; L-Arginine:Glycine Amidinotransferase (AGAT) Deficiency; L-Arginine:Glycine Amidinotransferase Deficiency; AGAT deficiency. Identifiers: Orphanet 35704, MedGen C2675179, MONDO:0012996, OMIM 612718.

Allele frequency attached by ClinVar (database versions not stated): TOPMed 0.00007; gnomAD 0.00011 and 0.00012; gnomAD exomes below 0.00001 and 0.00002; ExAC 0.00002.

Submissions (2):

Labcorp Genetics (formerly Invitae), Labcorp
Classification: Likely benign for Arginine:glycine amidinotransferase deficiency. Last evaluated: 2026-01-11. Review status: criteria provided, single submitter. Criteria: Invitae Variant Classification Sherloc (09022015). Collection method: clinical testing. Allele origin: germline.

GeneDx
Classification: Likely benign. Last evaluated: 2016-08-11. Review status: criteria provided, single submitter. Criteria: GeneDx Variant Classification (06012015). Collection method: clinical testing. Allele origin: germline. Affected: yes.
Comment: This variant is considered likely benign or benign based on one or more of the following criteria: it is a conservative change, it occurs at a poorly conserved position in the protein, it is predicted to be benign by multiple in silico algorithms, and/or has population frequency not consistent with disease.